The following is an entry in ClinVar:

ClinVar aggregate classification (germline): Uncertain significance (1 of 4 stars; one submission).

Conditions:
Aortic aneurysm, familial thoracic 4 (AAT4). Also called: AORTIC ANEURYSM/AORTIC DISSECTION AND PATENT DUCTUS ARTERIOSUS. Identifiers: MedGen C1851504, MONDO:0007568, OMIM 132900.

Submission:

Labcorp Genetics (formerly Invitae), Labcorp
Classification: Uncertain significance for Aortic aneurysm, familial thoracic 4. Last evaluated: 2024-03-19. Review status: criteria provided, single submitter. Criteria: Invitae Variant Classification Sherloc (09022015). Collection method: clinical testing. Allele origin: germline.
Comment: This variant, c.4682_4702dup, results in the insertion of 7 amino acid(s) of the MYH11 protein (p.Glu1561_Asp1567dup), but otherwise preserves the integrity of the reading frame. This variant is not present in population databases (gnomAD no frequency). This variant has not been reported in the literature in individuals affected with MYH11-related conditions. ClinVar contains an entry for this variant (Variation ID: 465736). Experimental studies and prediction algorithms are not available or were not evaluated, and the functional significance of this variant is currently unknown. In summary, the available evidence is currently insufficient to determine the role of this variant in disease. Therefore, it has been classified as a Variant of Uncertain Significance.

NM_002474.3(MYH11):c.4661_4681dup (p.Asp1560_Ala1561insGluLeuGlnAlaThrGluAsp)

Genes: NDE1 (nudE neurodevelopment protein 1; plus strand), MYH11 (myosin heavy chain 11; minus strand). Cytogenetic location: 16p13.11.
Variant type: Duplication.
Coding change: c.4661_4681dup on transcript NM_002474.3 (MANE Select); coding-DNA positions 4661 to 4681, 21 bases duplicated (AGCTGCAAGCCACGGAGGACG).
Protein change: p.Asp1560_Ala1561insGluLeuGlnAlaThrGluAsp.
Molecular consequence: inframe insertion. On other transcripts: intron variant (2).
Genome position (GRCh38, 1-based): chr16:15,720,949-15,720,969, CGTCCTCCGTGGCTTGCAGCT duplicated on the plus strand (AGCTGCAAGCCACGGAGGACG on the coding strand, the reverse complement: MYH11 is on the minus strand); duplicating any 21 consecutive bases within chr16:15,720,949-15,720,977 gives the same sequence; the c. name uses the placement nearest the transcript's 3' end. VCF-style (leftmost placement, unchanged base first): chr16-15720948-G-GCGTCCTCCGTGGCTTGCAGCT. GRCh37 (hg19) VCF-style: chr16-15814805-G-GCGTCCTCCGTGGCTTGCAGCT.
Other names: c.4682_4702dup, p.Asp1567_Ala1568insGluLeuGlnAlaThrGluAsp (NM_001040113.2, NM_001040114.2); c.4661_4681dup, p.Asp1560_Ala1561insGluLeuGlnAlaThrGluAsp (NM_022844.3); c.948-3234_948-3214dup (NM_001143979.2, NM_017668.3).
Identifiers: ClinVar variation 465736 (VCV000465736.8), dbSNP rs1555551958, ClinGen allele CA658658392.